The following is an entry in ClinVar:

NM_020923.3(ZDBF2):c.6224G>T (p.Arg2075Met)

Gene: ZDBF2 (zinc finger DBF-type containing 2; plus strand). Cytogenetic location: 2q33.3.
Variant type: single nucleotide variant.
Coding change: c.6224G>T on transcript NM_020923.3 (MANE Select); coding-DNA position 6224, G replaced by T.
Protein change: p.Arg2075Met; replaces arginine 2075 with methionine.
Molecular consequence: missense variant.
Genome position (GRCh38, 1-based): chr2:206,310,752, G>T. VCF-style: chr2-206310752-G-T. GRCh37 (hg19) VCF-style: chr2-207175476-G-T.
Other names: c.6218G>T, p.Arg2073Met (NM_001285549.2); c.6224G>T, p.Arg2075Met (NM_001369654.1); short protein forms R2075M, R2073M.
Identifiers: ClinVar variation 784584 (VCV000784584.34), dbSNP rs36095066, ClinGen allele CA2072610.

ClinVar aggregate classification (germline): Benign. Review status: criteria provided, multiple submitters, no conflicts (2 of 4 stars). 3 submissions from 3 submitters: Benign (3). Last evaluated 2025-12-25.

Allele frequency attached by ClinVar (database versions not stated): 1000 Genomes Project 0.00339; 1000 Genomes Project 30x 0.00375; gnomAD 0.00581 and 0.00599; TOPMed 0.00598; ExAC 0.00635; ESP Exome Variant Server 0.00646; gnomAD exomes 0.00673 and 0.00865.
gnomAD v4.1: 13,474 of 1,613,870 alleles (0.83%); highest among the groups gnomAD compares: Non-Finnish European, 0.97%; 77 homozygotes.

Submissions (3):

Labcorp Genetics (formerly Invitae), Labcorp
Classification: Benign. Last evaluated: 2025-12-25. Review status: criteria provided, single submitter. Criteria: Invitae Variant Classification Sherloc (09022015). Collection method: clinical testing. Allele origin: germline.

CeGaT Center for Human Genetics Tuebingen
Classification: Benign. Last evaluated: 2022-10-01. Review status: criteria provided, single submitter. Criteria: CeGaT Center For Human Genetics Tuebingen Variant Classification Criteria Version 2. Collection method: clinical testing. Allele origin: germline. Affected: yes. Observed: 1 variant allele.
Comment: ZDBF2: BP4, BS1, BS2

Breakthrough Genomics
Classification: Benign. Review status: criteria provided, single submitter. Criteria: ACMG Guidelines, 2015. Collection method: not provided. Allele origin: germline. Inheritance: Unknown mechanism. Affected: yes.